The following is an entry in ClinVar:

ClinVar aggregate classification (germline): Uncertain significance. Review status: criteria provided, multiple submitters, no conflicts (2 of 4 stars). 2 submissions from 2 submitters: Uncertain significance (2). Last evaluated 2025-01-18.

Conditions:
Cardiovascular phenotype. Identifiers: MedGen CN230736.
Hereditary cancer-predisposing syndrome. Also called: Neoplastic Syndromes, Hereditary; Tumor predisposition; Hereditary neoplastic syndrome; Hereditary Cancer Syndrome. Identifiers: Orphanet 140162, MedGen C0027672, MeSH D009386, MONDO:0015356.
Neurofibromatosis, type 1 (NF1). Also called: NEUROFIBROMATOSIS, TYPE I, SOMATIC; Neurofibromatosis, type I; VON RECKLINGHAUSEN DISEASE; Peripheral type neurofibromatosis. Identifiers: Orphanet 636, MedGen C0027831, MONDO:0018975, OMIM 162200. Disease mechanism: loss of function.

Submissions (2):

Ambry Genetics
Classification: Uncertain significance for Cardiovascular phenotype; Hereditary cancer-predisposing syndrome. Last evaluated: 2025-01-18. Review status: criteria provided, single submitter. Criteria: Ambry Variant Classification Scheme 2023. Collection method: clinical testing. Allele origin: germline.
Comment: The p.R262P variant (also known as c.785G>C), located in coding exon 8 of the NF1 gene, results from a G to C substitution at nucleotide position 785. The arginine at codon 262 is replaced by proline, an amino acid with dissimilar properties. This amino acid position is highly conserved in available vertebrate species. In addition, this alteration is predicted to be deleterious by in silico analysis. Since supporting evidence is limited at this time, the clinical significance of this alteration remains unclear.

Labcorp Genetics (formerly Invitae), Labcorp
Classification: Uncertain significance for Neurofibromatosis, type 1. Last evaluated: 2022-01-08. Review status: criteria provided, single submitter. Criteria: Invitae Variant Classification Sherloc (09022015). Collection method: clinical testing. Allele origin: germline.
Comment: Advanced modeling of protein sequence and biophysical properties (such as structural, functional, and spatial information, amino acid conservation, physicochemical variation, residue mobility, and thermodynamic stability) performed at Invitae indicates that this missense variant is expected to disrupt NF1 protein function. This variant has not been reported in the literature in individuals affected with NF1-related conditions. This variant is not present in population databases (gnomAD no frequency). This sequence change replaces arginine, which is basic and polar, with proline, which is neutral and non-polar, at codon 262 of the NF1 protein (p.Arg262Pro). In summary, the available evidence is currently insufficient to determine the role of this variant in disease. Therefore, it has been classified as a Variant of Uncertain Significance.

NM_001042492.3(NF1):c.785G>C (p.Arg262Pro)

Gene: NF1 (neurofibromin 1; plus strand). Cytogenetic location: 17q11.2.
Variant type: single nucleotide variant.
Coding change: c.785G>C on transcript NM_001042492.3 (MANE Select); coding-DNA position 785, G replaced by C.
Protein change: p.Arg262Pro; replaces arginine 262 with proline.
Molecular consequence: missense variant.
Genome position (GRCh38, 1-based): chr17:31,182,562, G>C. VCF-style: chr17-31182562-G-C. GRCh37 (hg19) VCF-style: chr17-29509580-G-C.
Other names: c.785G>C, p.Arg262Pro (NM_000267.4, NM_001128147.3); short protein forms R262P.
Identifiers: ClinVar variation 1483765 (VCV001483765.11), dbSNP rs1555608957, ClinGen allele CA398990833.
Genomic context (GRCh38, chr17:31,182,562, plus strand): 5'-ATGCAGAATGTGCAGAAAAGCTATTTGACTTGGTGGATGGTTTTGCTGAAAGCACCAAAC[G>C]TAAAGCAGCAGTTTGGCCACTACAAATCATTCTCCTTATCTTGTGTCCAGAAATAATCCA-3'
Protein context (NP_001035957.1, residues 252-272): LVDGFAESTK[Arg262Pro]KAAVWPLQII